The following is an entry in ClinVar:

ClinVar aggregate classification (germline): Uncertain significance (1 of 4 stars; one submission).

Conditions:
Early-infantile DEE. Also called: Ohtahara syndrome; Early infantile epileptic encephalopathy; Early infantile epileptic encephalopathy with suppression bursts. Identifiers: Orphanet 1934, MedGen C0393706, MONDO:0800491.

Allele frequency attached by ClinVar (database versions not stated): TOPMed below 0.00001; gnomAD 0.00001.

Submission:

Labcorp Genetics (formerly Invitae), Labcorp
Classification: Uncertain significance for Early-infantile DEE. Last evaluated: 2024-05-15. Review status: criteria provided, single submitter. Criteria: Invitae Variant Classification Sherloc (09022015). Collection method: clinical testing. Allele origin: germline.
Comment: This sequence change falls in intron 20 of the SCN1A gene. It does not directly change the encoded amino acid sequence of the SCN1A protein. However, this sequence change falls within a region encompassing a cryptic exon in the SCN1A gene, in which variants have been shown to alter splicing (PMID: 30526861, 34107977). This variant is not present in population databases (gnomAD no frequency). This variant has been observed in individual(s) with clinical features of developmental and epileptic encephalopathy (Invitae). ClinVar contains an entry for this variant (Variation ID: 1976154). Algorithms developed to predict the effect of sequence changes on RNA splicing suggest that this variant is not likely to affect RNA splicing. In summary, the available evidence is currently insufficient to determine the role of this variant in disease. Therefore, it has been classified as a Variant of Uncertain Significance.

Literature cited by the submitters: PubMed 30526861; PubMed 34107977.

NM_001165963.4(SCN1A):c.4002+2459G>A

Genes: SCN1A (sodium voltage-gated channel alpha subunit 1; minus strand), LOC102724058 (uncharacterized LOC102724058; plus strand). Cytogenetic location: 2q24.3.
Variant type: single nucleotide variant.
Coding change: c.4002+2459G>A on transcript NM_001165963.4 (MANE Select); 2459 bases into the intron after coding-DNA position 4002, G replaced by A.
Molecular consequence: intron variant. On other transcripts: non-coding transcript variant (1).
Genome position (GRCh38, 1-based): chr2:166,007,260, C>T on the plus strand (G>A on the coding strand, the complement: SCN1A is on the minus strand). VCF-style: chr2-166007260-C-T. GRCh37 (hg19) VCF-style: chr2-166863770-C-T.
Other names: c.3969+2459G>A (NM_001353949.2, NM_001353950.2, NM_001353951.2 and 2 more transcripts); c.3918+2459G>A (NM_001353958.2, NM_001353957.2, NM_001165964.3); c.4002+2459G>A (NM_001202435.3, NM_001353948.2); c.3966+2459G>A (NM_001353955.2, NM_001353954.2); c.3915+2459G>A (NM_001353960.2); c.1560+2459G>A (NM_001353961.2).
Identifiers: ClinVar variation 1976154 (VCV001976154.5), dbSNP rs1691788097, ClinGen allele CA1038836509.
Genomic context (GRCh38, chr2:166,007,260, plus strand): 5'-TTAAAGGTAGCAAAAGGGGTAATACAGTACCCATAATAAAGGGCTCAGGGGAGGAACCAG[C>T]GCTCCACCCCATCCAAGTTGGAGCAAGATTATCCTATACAAAATAGAAATATATAGTTTG-3'